The following is an entry in ClinVar:

ClinVar aggregate classification (germline): Uncertain significance (1 of 4 stars; one submission).

Submission:

Ambry Genetics
Classification: Uncertain significance. Last evaluated: 2022-12-01. Review status: criteria provided, single submitter. Criteria: Ambry Variant Classification Scheme 2023. Collection method: clinical testing. Allele origin: germline.
Comment: The c.2204C>T (p.A735V) alteration is located in exon (coding exon ) of the HIPK2 gene. This alteration results from a C to T substitution at nucleotide position 2204, causing the alanine (A) at amino acid position 735 to be replaced by a valine (V). Based on insufficient or conflicting evidence, the clinical significance of this alteration remains unclear.

NM_022740.5(HIPK2):c.2204C>T (p.Ala735Val)

Gene: HIPK2 (homeodomain interacting protein kinase 2; minus strand). Cytogenetic location: 7q34.
Variant type: single nucleotide variant.
Coding change: c.2204C>T on transcript NM_022740.5 (MANE Select); coding-DNA position 2204, C replaced by T.
Protein change: p.Ala735Val; replaces alanine 735 with valine.
Molecular consequence: missense variant.
Genome position (GRCh38, 1-based): chr7:139,604,132, G>A on the plus strand (C>T on the coding strand, the complement: HIPK2 is on the minus strand). VCF-style: chr7-139604132-G-A. GRCh37 (hg19) VCF-style: chr7-139288878-G-A.
Other names: c.2123C>T, p.Ala708Val (NM_001113239.3); short protein forms A735V, A708V.
Identifiers: ClinVar variation 2230981 (VCV002230981.2), dbSNP rs1434981969, ClinGen allele CA369512498.